The following is an entry in ClinVar:

NM_001366722.1(GRIP1):c.207G>A (p.Ser69=)

Gene: GRIP1 (glutamate receptor interacting protein 1; minus strand). Cytogenetic location: 12q14.3.
Variant type: single nucleotide variant.
Coding change: c.207G>A on transcript NM_001366722.1 (MANE Select); coding-DNA position 207, G replaced by A.
Protein change: p.Ser69=; no amino-acid change (serine 69 retained).
Molecular consequence: synonymous variant.
Genome position (GRCh38, 1-based): chr12:66,541,880, C>T on the plus strand (G>A on the coding strand, the complement: GRIP1 is on the minus strand). VCF-style: chr12-66541880-C-T. GRCh37 (hg19) VCF-style: chr12-66935660-C-T.
Other names: c.207G>A, p.Ser69= (NM_001178074.2, NM_021150.4); c.285G>A, p.Ser95= (NM_001366723.1, NM_001366724.1).
Identifiers: ClinVar variation 710172 (VCV000710172.13), dbSNP rs192739695, ClinGen allele CA6674721.

ClinVar aggregate classification (germline): Likely benign. Review status: criteria provided, multiple submitters, no conflicts (2 of 4 stars). 3 submissions from 3 submitters: Likely benign (2). 1 of the submissions does not count toward it. Last evaluated 2026-05-01.

Conditions:
GRIP1-related disorder. Also called: GRIP1-related condition.

Allele frequency attached by ClinVar (database versions not stated): ExAC 0.00014; gnomAD exomes 0.00015 and 0.00018; gnomAD 0.00039 and 0.00042; TOPMed 0.00048; ESP Exome Variant Server 0.00058; 1000 Genomes Project 30x 0.00062; 1000 Genomes Project 0.00080.
gnomAD v4.1: 321 of 1,613,968 alleles (0.02%); highest among the groups gnomAD compares: African/African-American, 0.11%; 2 homozygotes.

Submissions (3):

CeGaT Center for Human Genetics Tuebingen
Classification: Likely benign. Last evaluated: 2026-05-01. Review status: criteria provided, single submitter. Criteria: CeGaT Center For Human Genetics Tuebingen Variant Classification Criteria Version 2. Collection method: clinical testing. Allele origin: germline. Affected: yes. Observed: 1 variant allele.
Comment: GRIP1: BP4, BP7

Labcorp Genetics (formerly Invitae), Labcorp
Classification: Likely benign. Last evaluated: 2026-01-27. Review status: criteria provided, single submitter. Criteria: Invitae Variant Classification Sherloc (09022015). Collection method: clinical testing. Allele origin: germline.

PreventionGenetics, part of Exact Sciences
Classification: Likely benign for GRIP1-related condition. Last evaluated: 2024-02-08. Review status: no assertion criteria provided. Collection method: clinical testing. Allele origin: germline. Not counted in ClinVar's aggregate classification.
Comment: This variant is classified as likely benign based on ACMG/AMP sequence variant interpretation guidelines (Richards et al. 2015 PMID: 25741868, with internal and published modifications).